The following is an entry in ClinVar:

ClinVar aggregate classification (germline): Uncertain significance. Review status: reviewed by expert panel (3 of 4 stars). 3 submissions from 3 submitters: Uncertain significance (1). 2 of the submissions do not count toward it. Last evaluated 2024-09-25.

Conditions:
Inborn genetic diseases. Identifiers: MedGen C0950123, MeSH D030342.
Hereditary thrombocytopenia and hematological cancer predisposition syndrome associated with RUNX1. Also called: Familial Platelet Disorder with Propensity to Acute Myelogenous Leukemia; PLATELET DISORDER, ASPIRIN-LIKE; RUNX1 Familial Platelet Disorder with Associated Myeloid Malignancies; Familial thrombocytopenia with propensity to acute myelogenous leukemia. Identifiers: Orphanet 71290, MedGen C1832388, MeSH C563324, MONDO:0100083, OMIM 601399.
Hereditary thrombocytopenia and hematologic cancer predisposition syndrome. Identifiers: Orphanet 71290, MedGen CN281654, MONDO:0011071.

Submissions (3):

ClinGen Myeloid Malignancy Variant Curation Expert Panel
Classification: Uncertain significance for Hereditary thrombocytopenia and hematologic cancer predisposition syndrome. Last evaluated: 2024-09-25. Review status: reviewed by expert panel. Criteria: ClinGen MyeloMalig ACMG Specifications v2. Collection method: curation. Allele origin: germline. Inheritance: Autosomal dominant inheritance.
Comment: NM_001754.5(RUNX1):c.178G>C (p.Ala60Pro) is a missense variant which is completely absent from all population databases with at least 20x coverage for RUNX1 (PM2_supporting). This variant has a REVEL score of 0.411, which is less than 0.50 and a spliceAI score <0.2 (0.0) (BP4). In summary, the clinical significance of this variant is uncertain. ACMG/AMP criteria applied, as specified by the Myeloid Malignancy Variant Curation Expert Panel for RUNX1: PM2_supporting, BP4.

Ambry Genetics
Classification: Uncertain significance for Inborn genetic diseases. Last evaluated: 2026-07-06. Review status: criteria provided, single submitter. Criteria: Ambry Variant Classification Scheme 2023. Collection method: clinical testing. Allele origin: germline. Not counted in ClinVar's aggregate classification.
Comment: The p.A60P variant (also known as c.178G>C), located in coding exon 3 of the RUNX1 gene, results from a G to C substitution at nucleotide position 178. The alanine at codon 60 is replaced by proline, an amino acid with highly similar properties. This amino acid position is conserved. In addition, the in silico prediction for this alteration is inconclusive. Based on the available evidence, the clinical significance of this variant remains unclear.

Labcorp Genetics (formerly Invitae), Labcorp
Classification: Uncertain significance for Hereditary thrombocytopenia and hematological cancer predisposition syndrome associated with RUNX1. Last evaluated: 2022-04-12. Review status: criteria provided, single submitter. Criteria: Invitae Variant Classification Sherloc (09022015). Collection method: clinical testing. Allele origin: germline. Not counted in ClinVar's aggregate classification.
Comment: Algorithms developed to predict the effect of missense changes on protein structure and function are either unavailable or do not agree on the potential impact of this missense change (SIFT: "Tolerated"; PolyPhen-2: "Possibly Damaging"; Align-GVGD: "Class C0"). In summary, the available evidence is currently insufficient to determine the role of this variant in disease. Therefore, it has been classified as a Variant of Uncertain Significance. ClinVar contains an entry for this variant (Variation ID: 1000965). This variant has not been reported in the literature in individuals affected with RUNX1-related conditions. This variant is not present in population databases (gnomAD no frequency). This sequence change replaces alanine, which is neutral and non-polar, with proline, which is neutral and non-polar, at codon 60 of the RUNX1 protein (p.Ala60Pro).

NM_001754.5(RUNX1):c.178G>C (p.Ala60Pro)

Gene: RUNX1 (RUNX family transcription factor 1; minus strand). Cytogenetic location: 21q22.12.
Variant type: single nucleotide variant.
Coding change: c.178G>C on transcript NM_001754.5 (MANE Select); coding-DNA position 178, G replaced by C.
Protein change: p.Ala60Pro; replaces alanine 60 with proline.
Molecular consequence: missense variant.
Genome position (GRCh38, 1-based): chr21:34,887,016, C>G on the plus strand (G>C on the coding strand, the complement: RUNX1 is on the minus strand). VCF-style: chr21-34887016-C-G. GRCh37 (hg19) VCF-style: chr21-36259313-C-G.
Other names: NM_001754.5(RUNX1):c.178G>C; p.Ala60Pro; c.97G>C, p.Ala33Pro (NM_001001890.3, NM_001122607.2); c.178G>C (NM_001754.4); short protein forms A33P, A60P.
Identifiers: ClinVar variation 1000965 (VCV001000965.10), dbSNP rs1254381316, ClinGen allele CA410204003.
Genomic context (GRCh38, chr21:34,887,016, plus strand): 5'-CCACCATGCTGCGGTCGCCGCTCCTCAGCTTGCCGGCCAGGGCAGCGCCGGCGTCCGGGG[C>G]GCCCAGCGGCAACGCCTCGCTCATCTTGCCTGGGCTCAGCGCGGTGGAAGGCGGCGTGAA-3'
Protein context (NP_001745.2, residues 50-70): GKMSEALPLG[Ala60Pro]PDAGAALAGK